The following is an entry in ClinVar:

NM_004006.3(DMD):c.10797+135A>G

Gene: DMD (dystrophin; minus strand). Cytogenetic location: Xp21.2.
Variant type: single nucleotide variant.
Coding change: c.10797+135A>G on transcript NM_004006.3 (MANE Select); 135 bases into the intron after coding-DNA position 10797, A replaced by G.
Molecular consequence: intron variant.
Genome position (GRCh38, 1-based): chrX:31,147,140, T>C on the plus strand (A>G on the coding strand, the complement: DMD is on the minus strand). VCF-style: chrX-31147140-T-C. GRCh37 (hg19) VCF-style: chrX-31165257-T-C.
Other names: c.10773+135A>G (NM_000109.4); c.6774+135A>G (NM_004011.4); c.6765+135A>G (NM_004012.4); c.3087+135A>G (NM_004023.3, NM_004020.4); c.3378+135A>G (NM_004022.3); c.3417+135A>G (NM_004021.3, NM_004013.3); c.2610+135A>G (NM_004014.3); c.1554+135A>G (NM_004018.3, NM_004017.3); and 3 more.
Identifiers: ClinVar variation 671357 (VCV000671357.2), dbSNP rs3816796, ClinGen allele CA328402825.
Genomic context (GRCh38, chrX:31,147,140, plus strand): 5'-ATTGGACAAATACAAAAAAGACACACTAGTTTTTCTATCTCCTCTACTTCTATCCTTTGA[T>C]ACTATCACTTTGCAGGCACATACCAAGCACTTAAGAATTGATGCTTGTTGCACCTATAAA-3'

ClinVar aggregate classification (germline): Benign. Review status: criteria provided, multiple submitters, no conflicts (2 of 4 stars). 2 submissions from 2 submitters: Benign (2). Last evaluated 2018-06-16.

Allele frequency attached by ClinVar (database versions not stated): gnomAD exomes 0.03720; gnomAD 0.10967 and 0.11031; TOPMed 0.13007; 1000 Genomes Project 0.17775; 1000 Genomes Project 30x 0.18085.
gnomAD v4.1: 38,876 of 809,088 alleles (4.8%); highest among the groups gnomAD compares: African/African-American, 30%; 2,721 homozygotes.

Submissions (2):

GeneDx
Classification: Benign. Last evaluated: 2018-06-16. Review status: criteria provided, single submitter. Criteria: GeneDx Variant Classification (06012015). Collection method: clinical testing. Allele origin: germline. Affected: yes.
Comment: This variant is considered likely benign or benign based on one or more of the following criteria: it is a conservative change, it occurs at a poorly conserved position in the protein, it is predicted to be benign by multiple in silico algorithms, and/or has population frequency not consistent with disease.

Breakthrough Genomics
Classification: Benign. Review status: criteria provided, single submitter. Criteria: ACMG Guidelines, 2015. Collection method: not provided. Allele origin: germline. Inheritance: X-linked inheritance. Affected: yes.